The following is an entry in ClinVar:

ClinVar aggregate classification (germline): Benign/Likely benign. Review status: criteria provided, multiple submitters, no conflicts (2 of 4 stars). 5 submissions from 5 submitters: Benign (2); Likely benign (2). 1 of the submissions does not count toward it. Last evaluated 2026-05-01.

Conditions:
Epidermolysis bullosa dystrophica inversa, autosomal recessive. Identifiers: MedGen C2673612.

Allele frequency attached by ClinVar (database versions not stated): gnomAD exomes 0.00031 and 0.00073; ExAC 0.00092; 1000 Genomes Project 30x 0.00297; 1000 Genomes Project 0.00300; ESP Exome Variant Server 0.00331; gnomAD 0.00356 and 0.00384; TOPMed 0.00359.
gnomAD v4.1: 1,000 of 1,613,822 alleles (0.062%); highest among the groups gnomAD compares: African/African-American, 1.2%; 7 homozygotes.

Submissions (5):

CeGaT Center for Human Genetics Tuebingen
Classification: Likely benign. Last evaluated: 2026-05-01. Review status: criteria provided, single submitter. Criteria: CeGaT Center For Human Genetics Tuebingen Variant Classification Criteria Version 2. Collection method: clinical testing. Allele origin: germline. Affected: yes. Observed: 1 variant allele.
Comment: COL7A1: BP4, BP7, BS1

Labcorp Genetics (formerly Invitae), Labcorp
Classification: Benign. Last evaluated: 2026-02-01. Review status: criteria provided, single submitter. Criteria: Invitae Variant Classification Sherloc (09022015). Collection method: clinical testing. Allele origin: germline.

Blueprint Genetics
Classification: Likely benign. Last evaluated: 2024-11-11. Review status: criteria provided, single submitter. Criteria: ACMG Guidelines, 2015. Collection method: clinical testing. Allele origin: germline.

Breakthrough Genomics
Classification: Benign. Review status: criteria provided, single submitter. Criteria: ACMG Guidelines, 2015. Collection method: not provided. Allele origin: germline. Inheritance: Autosomal recessive inheritance. Affected: yes.

Natera, Inc.
Classification: Benign for Autosomal recessive epidermolysis bullosa dystrophica inversa. Last evaluated: 2020-09-16. Review status: no assertion criteria provided. Collection method: clinical testing. Allele origin: germline. Not counted in ClinVar's aggregate classification.

NM_000094.4(COL7A1):c.5778C>T (p.Leu1926=)

Gene: COL7A1 (collagen type VII alpha 1 chain; minus strand). Cytogenetic location: 3p21.31.
Variant type: single nucleotide variant.
Coding change: c.5778C>T on transcript NM_000094.4 (MANE Select); coding-DNA position 5778, C replaced by T.
Protein change: p.Leu1926=; no amino-acid change (leucine 1926 retained).
Molecular consequence: synonymous variant.
Genome position (GRCh38, 1-based): chr3:48,576,291, G>A on the plus strand (C>T on the coding strand, the complement: COL7A1 is on the minus strand). VCF-style: chr3-48576291-G-A. GRCh37 (hg19) VCF-style: chr3-48613724-G-A.
Identifiers: ClinVar variation 787787 (VCV000787787.15), dbSNP rs113151410, ClinGen allele CA2379323.
Genomic context (GRCh38, chr3:48,576,291, plus strand): 5'-ATCCCAAGCCTGGCTCACCGGCACACTTCCAGGCTCTCCTCGCAGGCCACGCTCTCCAGG[G>A]AGGCCCTGGAGAGATGAAGACAAACTGCTAGGAACCAGCCTATGGGTGTGCATGTGCACA-3'
Protein context (NP_000085.1, residues 1916-1936): GETGSKGEQG[Leu1926=]PGERGLRGEP